The following is an entry in ClinVar:

ClinVar aggregate classification (germline): Likely benign. Review status: criteria provided, multiple submitters, no conflicts (2 of 4 stars). 2 submissions from 2 submitters: Likely benign (2). Last evaluated 2025-08-14.

Conditions:
Familial melanoma. Also called: Hereditary melanoma; Hereditary cutaneous melanoma. Identifiers: Orphanet 618, MedGen C1512419, MONDO:0018961.
Melanoma-pancreatic cancer syndrome. Identifiers: Orphanet 404560, MedGen C1838547, MONDO:0011713, OMIM 606719. Disease mechanism: loss of function.

Submissions (2):

Myriad Genetics, Inc.
Classification: Likely benign for Melanoma-pancreatic cancer syndrome. Last evaluated: 2025-08-14. Review status: criteria provided, single submitter. Criteria: Myriad Autosomal Dominant, Autosomal Recessive and X-Linked Classification Criteria (2023). Collection method: clinical testing. Allele origin: unknown.
Comment: This variant is considered likely benign. This variant is intronic and is not expected to impact mRNA splicing.

Labcorp Genetics (formerly Invitae), Labcorp
Classification: Likely benign for Familial melanoma. Last evaluated: 2021-01-15. Review status: criteria provided, single submitter. Criteria: Invitae Variant Classification Sherloc (09022015). Collection method: clinical testing. Allele origin: germline.

NM_000077.5(CDKN2A):c.150+10G>T

Gene: CDKN2A (cyclin dependent kinase inhibitor 2A; minus strand). Cytogenetic location: 9p21.3.
Variant type: single nucleotide variant.
Coding change: c.150+10G>T on transcript NM_000077.5 (MANE Select); 10 bases into the intron after coding-DNA position 150, G replaced by T.
Molecular consequence: intron variant. On other transcripts: missense variant (1).
Genome position (GRCh38, 1-based): chr9:21,974,668, C>A on the plus strand (G>T on the coding strand, the complement: CDKN2A is on the minus strand). VCF-style: chr9-21974668-C-A. GRCh37 (hg19) VCF-style: chr9-21974667-C-A.
Other names: c.160G>T, p.Gly54Trp (NM_058197.5); c.-3-3460G>T (NM_001363763.2); c.194-3460G>T (NM_058195.4); c.150+10G>T (NM_001195132.2); short protein forms G54W.
Identifiers: ClinVar variation 1671757 (VCV001671757.9), dbSNP rs557891718, ClinGen allele CA2573143669.
Genomic context (GRCh38, chr9:21,974,668, plus strand): 5'-ATTCCCCTGCAAACTTCGTCCTCCAGAGTCGCCCGCCATCCCCTGCTCCCGCTGCAGACC[C>A]TCTACCCACCTGGATCGGCCTCCGACCGTAACTATTCGGTGCGTTGGGCAGCGCCCCCGC-3'